The following is an entry in ClinVar:

NM_001283009.2(RTEL1):c.3409G>A (p.Gly1137Ser)

Genes: RTEL1 (regulator of telomere elongation helicase 1; plus strand), RTEL1-TNFRSF6B (RTEL1-TNFRSF6B readthrough (NMD candidate); plus strand). Cytogenetic location: 20q13.33.
Variant type: single nucleotide variant.
Coding change: c.3409G>A on transcript NM_001283009.2 (MANE Select); coding-DNA position 3409, G replaced by A.
Protein change: p.Gly1137Ser; replaces glycine 1137 with serine.
Molecular consequence: missense variant. On other transcripts: non-coding transcript variant (1).
Genome position (GRCh38, 1-based): chr20:63,695,131, G>A. VCF-style: chr20-63695131-G-A. GRCh37 (hg19) VCF-style: chr20-62326484-G-A.
Other names: c.2740G>A, p.Gly914Ser (NM_001283010.1); c.3409G>A, p.Gly1137Ser (NM_016434.4); c.3481G>A, p.Gly1161Ser (NM_032957.5); c.3481G>A (NM_032957.4); short protein forms G1137S, G1161S, G914S.
Identifiers: ClinVar variation 1437268 (VCV001437268.11), dbSNP rs202193792, ClinGen allele CA9966019.
Genomic context (GRCh38, chr20:63,695,131, plus strand): 5'-AGCATGTTTGTGCGTCCACACCACAAGCAGCGCTTCTCACAGACGTGCACAGACCTGACC[G>A]GCCGGCCCTACCCGGGCATGGAGCCACCGGGACCCCAGGAGGAGAGGCTTGCCGTGCCTC-3'
Protein context (NP_001269938.1, residues 1127-1147): RFSQTCTDLT[Gly1137Ser]RPYPGMEPPG

ClinVar aggregate classification (germline): Uncertain significance. Review status: criteria provided, multiple submitters, no conflicts (2 of 4 stars). 4 submissions from 4 submitters: Uncertain significance (4). Last evaluated 2025-08-23.

Conditions:
Inborn genetic diseases. Identifiers: MedGen C0950123, MeSH D030342.
Pulmonary fibrosis and/or bone marrow failure, Telomere-related, 3. Also called: PULMONARY FIBROSIS AND/OR BONE MARROW FAILURE SYNDROME, TELOMERE-RELATED, 3. Identifiers: Orphanet 2032, MedGen C4225346, MONDO:0014613, OMIM 616373.
RTEL1-related disorder. Also called: RTEL1-related disorders; RTEL1-related condition.
Dyskeratosis congenita, autosomal recessive 5 (DKCB5). Identifiers: MedGen C3554656, MONDO:0014076, OMIM 615190.

Allele frequency attached by ClinVar (database versions not stated): gnomAD exomes 0.00001 and 0.00002; ExAC 0.00002; TOPMed 0.00003; gnomAD 0.00004 and 0.00005; 1000 Genomes Project 0.00020; 1000 Genomes Project 30x 0.00031.
gnomAD v4.1: 23 of 1,612,326 alleles (0.0014%); highest among the groups gnomAD compares: East Asian, 0.0045%; no homozygotes.

Submissions (4):

Centre for Medical Genetics,  Mumbai
Classification: Uncertain significance for Pulmonary fibrosis and/or bone marrow failure, Telomere-related, 3. Last evaluated: 2025-08-23. Review status: criteria provided, single submitter. Criteria: ACMG Guidelines, 2015. Collection method: clinical testing. Allele origin: germline. Affected: yes. Observed: 1 heterozygote.

Labcorp Genetics (formerly Invitae), Labcorp
Classification: Uncertain significance for Dyskeratosis congenita, autosomal recessive 5; Pulmonary fibrosis and/or bone marrow failure, Telomere-related, 3. Last evaluated: 2025-07-21. Review status: criteria provided, single submitter. Criteria: Invitae Variant Classification Sherloc (09022015). Collection method: clinical testing. Allele origin: germline.
Comment: This sequence change replaces glycine, which is neutral and non-polar, with serine, which is neutral and polar, at codon 1137 of the RTEL1 protein (p.Gly1137Ser). This variant is present in population databases (rs202193792, gnomAD 0.007%). This variant has not been reported in the literature in individuals affected with RTEL1-related conditions. ClinVar contains an entry for this variant (Variation ID: 1437268). An algorithm developed to predict the effect of missense changes on protein structure and function (PolyPhen-2) suggests that this variant is likely to be disruptive. In summary, the available evidence is currently insufficient to determine the role of this variant in disease. Therefore, it has been classified as a Variant of Uncertain Significance.

PreventionGenetics, part of Exact Sciences
Classification: Uncertain significance for RTEL1-related condition. Last evaluated: 2024-11-21. Review status: criteria provided, single submitter. Criteria: ACMG Guidelines, 2015. Collection method: clinical testing. Allele origin: germline.
Comment: The RTEL1 c.3481G>A variant is predicted to result in the amino acid substitution p.Gly1161Ser. To our knowledge, this variant has not been reported in the literature. This variant is reported in 0.011% of alleles in individuals of East Asian descent in gnomAD. At this time, the clinical significance of this variant is uncertain due to the absence of conclusive functional and genetic evidence.

Ambry Genetics
Classification: Uncertain significance for Inborn genetic diseases. Last evaluated: 2024-11-17. Review status: criteria provided, single submitter. Criteria: Ambry Variant Classification Scheme 2023. Collection method: clinical testing. Allele origin: germline.
Comment: The p.G1137S variant (also known as c.3409G>A), located in coding exon 32 of the RTEL1 gene, results from a G to A substitution at nucleotide position 3409. The glycine at codon 1137 is replaced by serine, an amino acid with similar properties. This amino acid position is conserved. In addition, the in silico prediction for this alteration is inconclusive. Based on the available evidence, the clinical significance of this variant remains unclear.